The following is an entry in ClinVar:

ClinVar aggregate classification (germline): Uncertain significance. Review status: criteria provided, multiple submitters, no conflicts (2 of 4 stars). 2 submissions from 2 submitters: Uncertain significance (2). Last evaluated 2024-07-06.

Conditions:
Hereditary cancer-predisposing syndrome. Also called: Hereditary Cancer Syndrome; Hereditary neoplastic syndrome; Neoplastic Syndromes, Hereditary; Tumor predisposition. Identifiers: Orphanet 140162, MedGen C0027672, MeSH D009386, MONDO:0015356.

Allele frequency attached by ClinVar (database versions not stated): gnomAD exomes below 0.00001; TOPMed below 0.00001; gnomAD 0.00001.

Submissions (2):

Ambry Genetics
Classification: Uncertain significance for Hereditary cancer-predisposing syndrome. Last evaluated: 2024-07-06. Review status: criteria provided, single submitter. Criteria: Ambry Variant Classification Scheme 2023. Collection method: clinical testing. Allele origin: germline.
Comment: The p.Y1125C variant (also known as c.3374A>G), located in coding exon 21 of the RAD50 gene, results from an A to G substitution at nucleotide position 3374. The tyrosine at codon 1125 is replaced by cysteine, an amino acid with highly dissimilar properties. This amino acid position is conserved. In addition, this alteration is predicted to be deleterious by in silico analysis. Since supporting evidence is limited at this time, the clinical significance of this alteration remains unclear.

Labcorp Genetics (formerly Invitae), Labcorp
Classification: Uncertain significance for Hereditary cancer-predisposing syndrome. Last evaluated: 2024-04-22. Review status: criteria provided, single submitter. Criteria: Invitae Variant Classification Sherloc (09022015). Collection method: clinical testing. Allele origin: germline.
Comment: This sequence change replaces tyrosine, which is neutral and polar, with cysteine, which is neutral and slightly polar, at codon 1125 of the RAD50 protein (p.Tyr1125Cys). This variant is not present in population databases (gnomAD no frequency). This variant has not been reported in the literature in individuals affected with RAD50-related conditions. ClinVar contains an entry for this variant (Variation ID: 408422). Advanced modeling of protein sequence and biophysical properties (such as structural, functional, and spatial information, amino acid conservation, physicochemical variation, residue mobility, and thermodynamic stability) performed at Invitae indicates that this missense variant is expected to disrupt RAD50 protein function with a positive predictive value of 80%. In summary, the available evidence is currently insufficient to determine the role of this variant in disease. Therefore, it has been classified as a Variant of Uncertain Significance.

NM_005732.4(RAD50):c.3374A>G (p.Tyr1125Cys)

Gene: RAD50 (RAD50 double strand break repair protein; plus strand). Cytogenetic location: 5q31.1.
Variant type: single nucleotide variant.
Coding change: c.3374A>G on transcript NM_005732.4 (MANE Select); coding-DNA position 3374, A replaced by G.
Protein change: p.Tyr1125Cys; replaces tyrosine 1125 with cysteine.
Molecular consequence: missense variant.
Genome position (GRCh38, 1-based): chr5:132,618,279, A>G. VCF-style: chr5-132618279-A-G. GRCh37 (hg19) VCF-style: chr5-131953971-A-G.
Other names: short protein forms Y1125C.
Identifiers: ClinVar variation 408422 (VCV000408422.15), dbSNP rs1060501979, ClinGen allele CA16611749.